The following is an entry in ClinVar:

ClinVar aggregate classification (germline): Conflicting classifications of pathogenicity. Review status: criteria provided, conflicting classifications (1 of 4 stars). 4 submissions from 4 submitters: Uncertain significance (3); Likely benign (1). Last evaluated 2023-04-28.

Conditions:
Cardiovascular phenotype. Identifiers: MedGen CN230736.

Allele frequency attached by ClinVar (database versions not stated): gnomAD exomes 0.00003 and 0.00004; ExAC 0.00006; gnomAD 0.00001; TOPMed 0.00002.
gnomAD v4.1: 44 of 1,613,674 alleles (0.0027%); highest among the groups gnomAD compares: Non-Finnish European, 0.0034%; no homozygotes.

Submissions (4):

Blueprint Genetics
Classification: Likely benign. Last evaluated: 2023-04-28. Review status: criteria provided, single submitter. Criteria: ACMG Guidelines, 2015. Collection method: clinical testing. Allele origin: germline.

Ambry Genetics
Classification: Uncertain significance for Cardiovascular phenotype. Last evaluated: 2020-03-24. Review status: criteria provided, single submitter. Criteria: Ambry Variant Classification Scheme 2023. Collection method: clinical testing. Allele origin: germline.
Comment: The p.Q23910L variant (also known as c.71729A>T), located in coding exon 180 of the TTN gene, results from an A to T substitution at nucleotide position 71729. The glutamine at codon 23910 is replaced by leucine, an amino acid with dissimilar properties. This amino acid position is highly conserved in available vertebrate species. In addition, this alteration is predicted to be tolerated by in silico analysis. Since supporting evidence is limited at this time, the clinical significance of this alteration remains unclear.

Eurofins Ntd Llc (ga)
Classification: Uncertain significance. Last evaluated: 2016-08-27. Review status: criteria provided, single submitter. Criteria: EGL Classification Definitions 2015. Collection method: clinical testing. Allele origin: germline. Observed: 1 variant allele, 1 heterozygote.

GeneDx
Classification: Uncertain significance. Last evaluated: 2014-10-03. Review status: criteria provided, single submitter. Criteria: GeneDx Variant Classification (06012015). Collection method: clinical testing. Allele origin: germline. Affected: yes.
Comment: Missense variants in the TTN gene are considered 'unclassified' if they are not previously reported in the literature and do not have >1% frequency in the population to be considered a polymorphism. Research indicates that truncating mutations in the TTN gene are expected to account for approximately 25% of familial and 18% of sporadic idiopathic DCM; however, truncating variants in the TTN gene have been reported in approximately 3% of reported control alleles. There has been little investigation into non-truncating variants. (Herman D et al. Truncations of titin causing dilated cardiomyopathy. N Eng J Med 366:619-628, 2012) The variant is found in CARDIOMYOPATHY panel(s).

NM_001267550.2(TTN):c.98924A>T (p.Gln32975Leu)

Genes: TTN (titin; minus strand), TTN-AS1 (TTN antisense RNA 1; plus strand). Cytogenetic location: 2q31.2.
Variant type: single nucleotide variant.
Coding change: c.98924A>T on transcript NM_001267550.2 (MANE Select); coding-DNA position 98924, A replaced by T.
Protein change: p.Gln32975Leu; replaces glutamine 32975 with leucine.
Molecular consequence: missense variant. On other transcripts: non-coding transcript variant (1).
Genome position (GRCh38, 1-based): chr2:178,539,011, T>A on the plus strand (A>T on the coding strand, the complement: TTN is on the minus strand). VCF-style: chr2-178539011-T-A. GRCh37 (hg19) VCF-style: chr2-179403738-T-A.
Other names: p.Q31334L:CAG>CTG; c.94001A>T, p.Gln31334Leu (NM_001256850.1); c.71729A>T, p.Gln23910Leu (NM_003319.4); c.91220A>T, p.Gln30407Leu (NM_133378.4); c.72104A>T, p.Gln24035Leu (NM_133432.3); c.72305A>T, p.Gln24102Leu (NM_133437.4); short protein forms Q31334L, Q32975L, Q30407L, Q24102L, Q23910L, Q24035L.
Identifiers: ClinVar variation 203042 (VCV000203042.9), dbSNP rs776743138, ClinGen allele CA311064.